The following is an entry in ClinVar:

ClinVar aggregate classification (germline): Uncertain significance (1 of 4 stars; one submission).

Conditions:
Neurofibromatosis, type 1 (NF1). Also called: NEUROFIBROMATOSIS, TYPE I, SOMATIC; Neurofibromatosis, type I; Peripheral type neurofibromatosis; VON RECKLINGHAUSEN DISEASE. Identifiers: Orphanet 636, MedGen C0027831, MONDO:0018975, OMIM 162200. Disease mechanism: loss of function.

Submission:

Labcorp Genetics (formerly Invitae), Labcorp
Classification: Uncertain significance for Neurofibromatosis, type 1. Last evaluated: 2023-05-06. Review status: criteria provided, single submitter. Criteria: Invitae Variant Classification Sherloc (09022015). Collection method: clinical testing. Allele origin: germline.
Comment: In summary, the available evidence is currently insufficient to determine the role of this variant in disease. Therefore, it has been classified as a Variant of Uncertain Significance. Advanced modeling of protein sequence and biophysical properties (such as structural, functional, and spatial information, amino acid conservation, physicochemical variation, residue mobility, and thermodynamic stability) has been performed at Invitae for this missense variant, however the output from this modeling did not meet the statistical confidence thresholds required to predict the impact of this variant on NF1 protein function. This variant has not been reported in the literature in individuals affected with NF1-related conditions. This variant is not present in population databases (gnomAD no frequency). This sequence change replaces valine, which is neutral and non-polar, with isoleucine, which is neutral and non-polar, at codon 1076 of the NF1 protein (p.Val1076Ile).

NM_001042492.3(NF1):c.3226G>A (p.Val1076Ile)

Gene: NF1 (neurofibromin 1; plus strand). Cytogenetic location: 17q11.2.
Variant type: single nucleotide variant.
Coding change: c.3226G>A on transcript NM_001042492.3 (MANE Select); coding-DNA position 3226, G replaced by A.
Protein change: p.Val1076Ile; replaces valine 1076 with isoleucine.
Molecular consequence: missense variant.
Genome position (GRCh38, 1-based): chr17:31,232,101, G>A. VCF-style: chr17-31232101-G-A. GRCh37 (hg19) VCF-style: chr17-29559119-G-A.
Other names: c.3226G>A, p.Val1076Ile (NM_000267.4); short protein forms V1076I.
Identifiers: ClinVar variation 2988633 (VCV002988633.3), dbSNP rs2151433713, ClinGen allele CA398988705.